The following is an entry in ClinVar:

ClinVar aggregate classification (germline): Uncertain significance (1 of 4 stars; one submission).

Submission:

Ambry Genetics
Classification: Uncertain significance. Last evaluated: 2023-01-16. Review status: criteria provided, single submitter. Criteria: Ambry Variant Classification Scheme 2023. Collection method: clinical testing. Allele origin: germline.
Comment: The p.K4105Q variant (also known as c.12313A>C), located in coding exon 86 of the PRKDC gene, results from an A to C substitution at nucleotide position 12313. The lysine at codon 4105 is replaced by glutamine, an amino acid with similar properties. This amino acid position is conserved. In addition, this alteration is predicted to be deleterious by in silico analysis. Since supporting evidence is limited at this time, the clinical significance of this alteration remains unclear.

NM_006904.7(PRKDC):c.12313A>C (p.Lys4105Gln)

Gene: PRKDC (protein kinase, DNA-activated, catalytic subunit; minus strand). Cytogenetic location: 8q11.21.
Variant type: single nucleotide variant.
Coding change: c.12313A>C on transcript NM_006904.7 (MANE Select); coding-DNA position 12313, A replaced by C.
Protein change: p.Lys4105Gln; replaces lysine 4105 with glutamine.
Molecular consequence: missense variant.
Genome position (GRCh38, 1-based): chr8:47,774,247, T>G on the plus strand (A>C on the coding strand, the complement: PRKDC is on the minus strand). VCF-style: chr8-47774247-T-G. GRCh37 (hg19) VCF-style: chr8-48686808-T-G.
Other names: c.12220A>C, p.Lys4074Gln (NM_001081640.2); short protein forms K4105Q, K4074Q.
Identifiers: ClinVar variation 2449862 (VCV002449862.2), dbSNP rs2551859136, ClinGen allele CA371126602.